The following is an entry in ClinVar:

NM_025137.4(SPG11):c.1874T>C (p.Leu625Pro)

Gene: SPG11 (SPG11 vesicle trafficking associated, spatacsin; minus strand). Cytogenetic location: 15q21.1.
Variant type: single nucleotide variant.
Coding change: c.1874T>C on transcript NM_025137.4 (MANE Select); coding-DNA position 1874, T replaced by C.
Protein change: p.Leu625Pro; replaces leucine 625 with proline.
Molecular consequence: missense variant.
Genome position (GRCh38, 1-based): chr15:44,629,250, A>G on the plus strand (T>C on the coding strand, the complement: SPG11 is on the minus strand). VCF-style: chr15-44629250-A-G. GRCh37 (hg19) VCF-style: chr15-44921448-A-G.
Other names: c.1874T>C, p.Leu625Pro (NM_001160227.2); short protein forms L625P.
Identifiers: ClinVar variation 534871 (VCV000534871.9), dbSNP rs1555456940, ClinGen allele CA392234492.

ClinVar aggregate classification (germline): Uncertain significance (1 of 4 stars; one submission).

Conditions:
Hereditary spastic paraplegia 11. Also called: Nakamura Osame syndrome; Autosomal recessive hereditary spastic paraplegia, mental impairment, and thin corpus callosum; Spastic paraplegia, mental retardation and thin corpus callosum; SPASTIC PARAPLEGIA, AUTOSOMAL RECESSIVE, COMPLICATED, WITH THIN CORPUS CALLOSUM; SPASTIC PARAPLEGIA, AUTOSOMAL RECESSIVE, WITH MENTAL IMPAIRMENT AND THIN CORPUS CALLOSUM; Spastic Paraplegia 11. Identifiers: Orphanet 2822, MedGen C1858479, MONDO:0011445, OMIM 604360.

Allele frequency attached by ClinVar (database versions not stated): gnomAD exomes below 0.00001.
gnomAD v4.1: 2 of 1,614,084 alleles (0.00012%); highest among the groups gnomAD compares: Non-Finnish European, 0.00017%; no homozygotes.

Submission:

Labcorp Genetics (formerly Invitae), Labcorp
Classification: Uncertain significance for Hereditary spastic paraplegia 11. Last evaluated: 2021-08-27. Review status: criteria provided, single submitter. Criteria: Invitae Variant Classification Sherloc (09022015). Collection method: clinical testing. Allele origin: germline.
Comment: This sequence change replaces leucine with proline at codon 625 of the SPG11 protein (p.Leu625Pro). The leucine residue is moderately conserved and there is a moderate physicochemical difference between leucine and proline. This variant is not present in population databases (ExAC no frequency). This variant has not been reported in the literature in individuals affected with SPG11-related conditions. ClinVar contains an entry for this variant (Variation ID: 534871). Algorithms developed to predict the effect of missense changes on protein structure and function are either unavailable or do not agree on the potential impact of this missense change (SIFT: "Deleterious"; PolyPhen-2: "Probably Damaging"; Align-GVGD: "Class C0"). In summary, the available evidence is currently insufficient to determine the role of this variant in disease. Therefore, it has been classified as a Variant of Uncertain Significance.